The following is an entry in ClinVar:

NM_152564.5(VPS13B):c.6135A>G (p.Ile2045Met)

Gene: VPS13B (vacuolar protein sorting 13 homolog B; plus strand). Cytogenetic location: 8q22.2.
Variant type: single nucleotide variant.
Coding change: c.6135A>G on transcript NM_152564.5 (MANE Select); coding-DNA position 6135, A replaced by G.
Protein change: p.Ile2045Met; replaces isoleucine 2045 with methionine.
Molecular consequence: missense variant.
Genome position (GRCh38, 1-based): chr8:99,699,613, A>G. VCF-style: chr8-99699613-A-G. GRCh37 (hg19) VCF-style: chr8-100711841-A-G.
Other names: c.6210A>G, p.Ile2070Met (NM_017890.5); short protein forms I2070M, I2045M.
Identifiers: ClinVar variation 4997556 (VCV004997556.1).

ClinVar aggregate classification (germline): Uncertain significance (1 of 4 stars; one submission).

Conditions:
VPS13B-related disorder. Also called: VPS13B-related condition.

gnomAD v4.1: 3 of 1,614,168 alleles (0.00019%); highest among the groups gnomAD compares: Non-Finnish European, 0.00025%; no homozygotes.

Submission:

PreventionGenetics, part of Exact Sciences
Classification: Uncertain significance for VPS13B-related condition. Last evaluated: 2025-06-13. Review status: criteria provided, single submitter. Criteria: ACMG Guidelines, 2015. Collection method: clinical testing. Allele origin: germline.
Comment: The VPS13B c.6135A>G variant is predicted to result in the amino acid substitution p.Ile2045Met. To our knowledge, this variant has not been reported in the literature or in a large population database (gnomAD), indicating this variant is rare. At this time, the clinical significance of this variant is uncertain due to the absence of conclusive functional and genetic evidence.